The following is an entry in ClinVar:

NM_002519.3(NPAT):c.1642A>C (p.Ser548Arg)

Gene: NPAT (nuclear protein, coactivator of histone transcription; minus strand). Cytogenetic location: 11q22.3.
Variant type: single nucleotide variant.
Coding change: c.1642A>C on transcript NM_002519.3 (MANE Select); coding-DNA position 1642, A replaced by C.
Protein change: p.Ser548Arg; replaces serine 548 with arginine.
Molecular consequence: missense variant.
Genome position (GRCh38, 1-based): chr11:108,173,342, T>G on the plus strand (A>C on the coding strand, the complement: NPAT is on the minus strand). VCF-style: chr11-108173342-T-G. GRCh37 (hg19) VCF-style: chr11-108044069-T-G.
Other names: c.1642A>C, p.Ser548Arg (NM_001321307.1); short protein forms S548R.
Identifiers: ClinVar variation 1777070 (VCV001777070.2), dbSNP rs2496720568, ClinGen allele CA382514695.
Genomic context (GRCh38, chr11:108,173,342, plus strand): 5'-TGGAACCATGAAAATTAATTTTAAGTTTTACTGTATCATTAGAATTTTCACAAAATTGAC[T>G]TTTTTTAGATGGCTTTCCAGTTAATGAAGTATCTTGGGATAAAAGTTGAGAACTCTTCCC-3'
Protein context (NP_002510.2, residues 538-558): TSLTGKPSKK[Ser548Arg]QFCENSNDTV

ClinVar aggregate classification (germline): Uncertain significance (1 of 4 stars; one submission).

Submission:

Ambry Genetics
Classification: Uncertain significance. Last evaluated: 2022-07-08. Review status: criteria provided, single submitter. Criteria: Ambry Variant Classification Scheme 2023. Collection method: clinical testing. Allele origin: germline.
Comment: The p.S548R variant (also known as c.1642A>C), located in coding exon 13 of the NPAT gene, results from an A to C substitution at nucleotide position 1642. The serine at codon 548 is replaced by arginine, an amino acid with dissimilar properties. This amino acid position is conserved. In addition, this alteration is predicted to be tolerated by in silico analysis. Since supporting evidence is limited at this time, the clinical significance of this alteration remains unclear.